The following is an entry in ClinVar:

ClinVar aggregate classification (germline): Uncertain significance (1 of 4 stars; one submission).

Conditions:
EIF4G1-related disorder. Also called: EIF4G1-related condition.

gnomAD v4.1: 49 of 1,613,344 alleles (0.003%); highest among the groups gnomAD compares: African/African-American, 0.0053%; no homozygotes.

Submission:

PreventionGenetics, part of Exact Sciences
Classification: Uncertain significance for EIF4G1-related condition. Last evaluated: 2025-08-01. Review status: criteria provided, single submitter. Criteria: ACMG Guidelines, 2015. Collection method: clinical testing. Allele origin: germline.
Comment: The EIF4G1 c.3632C>T variant is predicted to result in the amino acid substitution p.Thr1211Met. To our knowledge, this variant has not been reported in the literature. This variant is reported in 0.0064% of alleles in individuals of African descent in gnomAD. At this time, the clinical significance of this variant is uncertain due to the absence of conclusive functional and genetic evidence.

NM_198241.3(EIF4G1):c.3632C>T (p.Thr1211Met)

Gene: EIF4G1 (eukaryotic translation initiation factor 4 gamma 1; plus strand). Cytogenetic location: 3q27.1.
Variant type: single nucleotide variant.
Coding change: c.3632C>T on transcript NM_198241.3 (MANE Select); coding-DNA position 3632, C replaced by T.
Protein change: p.Thr1211Met; replaces threonine 1211 with methionine.
Molecular consequence: missense variant.
Genome position (GRCh38, 1-based): chr3:184,327,419, C>T. VCF-style: chr3-184327419-C-T. GRCh37 (hg19) VCF-style: chr3-184045207-C-T.
Other names: c.3653C>T, p.Thr1218Met (NM_001194946.2, NM_001194947.2); c.3512C>T, p.Thr1171Met (NM_001291157.2); c.3047C>T, p.Thr1016Met (NM_004953.5); c.3635C>T, p.Thr1212Met (NM_182917.4); c.3140C>T, p.Thr1047Met (NM_198242.3); c.3371C>T, p.Thr1124Met (NM_198244.3); short protein forms T1124M, T1171M, T1211M, T1016M, T1212M, T1047M, T1218M.
Identifiers: ClinVar variation 4981647 (VCV004981647.1).